The following is an entry in ClinVar:

ClinVar aggregate classification (germline): Benign/Likely benign. Review status: criteria provided, multiple submitters, no conflicts (2 of 4 stars). 3 submissions from 3 submitters: Benign (1); Likely benign (2). Last evaluated 2025-06-17.

Allele frequency attached by ClinVar (database versions not stated): gnomAD exomes 0.00005 and 0.00020; ExAC 0.00021; ESP Exome Variant Server 0.00031; gnomAD 0.00038 and 0.00041; TOPMed 0.00044; 1000 Genomes Project 30x 0.00078; 1000 Genomes Project 0.00080.
gnomAD v4.1: 127 of 1,614,084 alleles (0.0079%); highest among the groups gnomAD compares: African/African-American, 0.11%; no homozygotes.

Submissions (3):

Labcorp Genetics (formerly Invitae), Labcorp
Classification: Likely benign. Last evaluated: 2025-06-17. Review status: criteria provided, single submitter. Criteria: Invitae Variant Classification Sherloc (09022015). Collection method: clinical testing. Allele origin: germline.

Athena Diagnostics
Classification: Benign. Last evaluated: 2024-12-26. Review status: criteria provided, single submitter. Criteria: Athena Diagnostics Criteria. Collection method: clinical testing. Allele origin: unknown.
Comment: The frequency of this variant in the general population is higher than would generally be expected for pathogenic variants in this gene. Computational tools yielded predictions that this variant is unlikely to have an effect on normal RNA splicing. This nucleotide position exhibits low evolutionary conservation.

Blueprint Genetics
Classification: Likely benign. Last evaluated: 2024-11-18. Review status: criteria provided, single submitter. Criteria: ACMG Guidelines, 2015. Collection method: clinical testing. Allele origin: germline.

NM_006946.4(SPTBN2):c.6765C>T (p.Leu2255=)

Gene: SPTBN2 (spectrin beta, non-erythrocytic 2; minus strand). Cytogenetic location: 11q13.2.
Variant type: single nucleotide variant.
Coding change: c.6765C>T on transcript NM_006946.4 (MANE Select); coding-DNA position 6765, C replaced by T.
Protein change: p.Leu2255=; no amino-acid change (leucine 2255 retained).
Molecular consequence: synonymous variant.
Genome position (GRCh38, 1-based): chr11:66,687,125, G>A on the plus strand (C>T on the coding strand, the complement: SPTBN2 is on the minus strand). VCF-style: chr11-66687125-G-A. GRCh37 (hg19) VCF-style: chr11-66454596-G-A.
Other names: c.6765C>T (NM_006946.2).
Identifiers: ClinVar variation 1588048 (VCV001588048.10), dbSNP rs142769916, ClinGen allele CA6127792.